The following is an entry in ClinVar:

NM_000023.4(SGCA):c.224_225delinsC (p.Trp75fs)

Gene: SGCA (sarcoglycan alpha; plus strand). Cytogenetic location: 17q21.33.
Variant type: Indel.
Coding change: c.224_225delinsC on transcript NM_000023.4 (MANE Select); coding-DNA positions 224 to 225, GG replaced by C.
Protein change: p.Trp75fs; shifts the reading frame from tryptophan 75.
Molecular consequence: frameshift variant. On other transcripts: non-coding transcript variant (1).
Genome position (GRCh38, 1-based): chr17:50,167,648-50,167,649, GG replaced by C. VCF-style: chr17-50167648-GG-C. GRCh37 (hg19) VCF-style: chr17-48245009-GG-C.
Other names: c.224_225delinsC, p.Trp75fs (NM_001135697.3); short protein forms W75fs.
Identifiers: ClinVar variation 3896995 (VCV003896995.1).
Genomic context (GRCh38, chr17:50,167,648, plus strand): 5'-CACCCGCTGTCCACATCACCTACCACGCCCACCTCCAGGGACACCCAGACCTGCCCCGGT[GG>C]CTCCGCTACACCCAGCGCAGCCCCCACCACCCTGGCTTCCTCTACGGCTCTGCCACCCCA-3'

ClinVar aggregate classification (germline): Likely pathogenic (1 of 4 stars; one submission).

Conditions:
Autosomal recessive limb-girdle muscular dystrophy type 2D (LGMDR3). Also called: MUSCULAR DYSTROPHY, LIMB-GIRDLE, AUTOSOMAL RECESSIVE 3; DUCHENNE-LIKE AUTOSOMAL RECESSIVE MUSCULAR DYSTROPHY, TYPE 2; ADHALINOPATHY, PRIMARY. Identifiers: Orphanet 62, MedGen C2936332, MONDO:0011968, OMIM 608099. Disease mechanism: Affects gamma-sarcoglycan and also disrupts the integrity of the entire sarcoglycan complex..

Submission:

Kariminejad - Najmabadi Pathology & Genetics Center
Classification: Likely pathogenic for Autosomal recessive limb-girdle muscular dystrophy type 2D. Last evaluated: 2021-05-06. Review status: criteria provided, single submitter. Criteria: ACMG Guidelines, 2015. Collection method: clinical testing. Allele origin: germline. Inheritance: Autosomal recessive inheritance. Affected: yes.
Comment: PVS1, PM2